The following is an entry in ClinVar:

NM_001378452.1(ITPR1):c.2007G>A (p.Lys669=)

Gene: ITPR1 (inositol 1,4,5-trisphosphate receptor type 1; plus strand). Cytogenetic location: 3p26.1.
Variant type: single nucleotide variant.
Coding change: c.2007G>A on transcript NM_001378452.1 (MANE Select); coding-DNA position 2007, G replaced by A.
Protein change: p.Lys669=; no amino-acid change (lysine 669 retained).
Molecular consequence: synonymous variant.
Genome position (GRCh38, 1-based): chr3:4,670,729, G>A. VCF-style: chr3-4670729-G-A. GRCh37 (hg19) VCF-style: chr3-4712413-G-A.
Other names: p.Lys654=; c.2007G>A, p.Lys669= (NM_001099952.4); c.1962G>A, p.Lys654= (NM_001168272.2, NM_002222.7).
Identifiers: ClinVar variation 129298 (VCV000129298.25), dbSNP rs2306875, ClinGen allele CA153210.

ClinVar aggregate classification (germline): Benign. Review status: criteria provided, multiple submitters, no conflicts (2 of 4 stars). 12 submissions from 10 submitters: Benign (11). 1 of the submissions does not count toward it. Last evaluated 2026-02-03.

Conditions:
Spinocerebellar ataxia type 15/16 (SCA15). Also called: Spinocerebellar Ataxia Type 15. Identifiers: Orphanet 98769, MedGen C1847725, MONDO:0011694, OMIM 606658.
Spinocerebellar ataxia type 29 (SCA29). Also called: CEREBELLAR ATAXIA, CONGENITAL NONPROGRESSIVE, AUTOSOMAL DOMINANT; Spinocerebellar ataxia 29, congenital nonprogressive. Identifiers: Orphanet 208513, MedGen C1861732, MONDO:0007298, OMIM 117360.
Gillespie syndrome (GLSP). Also called: Aniridia-cerebellar ataxia-intellectual disability syndrome; Aniridia, cerebellar ataxia, and mental deficiency. Identifiers: Orphanet 1065, MedGen C0431401, MONDO:0008795, OMIM 206700.
Autosomal dominant cerebellar ataxia. Also called: Spinocerebellar Ataxia, Dominant. Identifiers: Orphanet 99, MedGen C4087347, MONDO:0020380.

Allele frequency attached by ClinVar (database versions not stated): 1000 Genomes Project 0.61402; 1000 Genomes Project 30x 0.62258; gnomAD exomes 0.64807 and 0.66845; TOPMed 0.67091; gnomAD 0.67495 and 0.68068; ESP Exome Variant Server 0.68085; ExAC 0.68323.
gnomAD v4.1: 1,049,285 of 1,569,864 alleles (67%); highest among the groups gnomAD compares: Admixed American, 71%; 354,237 homozygotes.

Submissions (12):

Labcorp Genetics (formerly Invitae), Labcorp
Classification: Benign. Last evaluated: 2026-02-03. Review status: criteria provided, single submitter. Criteria: Invitae Variant Classification Sherloc (09022015). Collection method: clinical testing. Allele origin: germline.

Blueprint Genetics
Classification: Benign. Last evaluated: 2024-11-26. Review status: criteria provided, single submitter. Criteria: ACMG Guidelines, 2015. Collection method: clinical testing. Allele origin: germline.

Mayo Clinic Laboratories, Mayo Clinic
Classification: Benign. Last evaluated: 2022-03-24. Review status: criteria provided, single submitter. Criteria: ACMG Guidelines, 2015. Collection method: clinical testing. Allele origin: germline. Observed: 434 variant alleles.

Genome-Nilou Lab
Classification: Benign for Gillespie syndrome. Last evaluated: 2021-08-19. Review status: criteria provided, single submitter. Criteria: ACMG Guidelines, 2015. Collection method: clinical testing. Allele origin: germline. Affected: no.

Genome-Nilou Lab
Classification: Benign for Spinocerebellar ataxia type 15/16. Last evaluated: 2021-08-19. Review status: criteria provided, single submitter. Criteria: ACMG Guidelines, 2015. Collection method: clinical testing. Allele origin: germline. Affected: no.

Genome-Nilou Lab
Classification: Benign for Spinocerebellar ataxia type 29. Last evaluated: 2021-08-19. Review status: criteria provided, single submitter. Criteria: ACMG Guidelines, 2015. Collection method: clinical testing. Allele origin: germline. Affected: no.

Athena Diagnostics
Classification: Benign. Last evaluated: 2019-07-15. Review status: criteria provided, single submitter. Criteria: Athena Diagnostics Criteria. Collection method: clinical testing. Allele origin: germline.

Mendelics
Classification: Benign for Spinocerebellar ataxia type 29. Last evaluated: 2019-05-28. Review status: criteria provided, single submitter. Criteria: Mendelics Assertion Criteria 2017. Collection method: clinical testing. Allele origin: unknown.

GeneDx
Classification: Benign. Last evaluated: 2018-07-03. Review status: criteria provided, single submitter. Criteria: GeneDx Variant Classification Process June 2021. Collection method: clinical testing. Allele origin: germline. Affected: yes.

Illumina Laboratory Services, Illumina
Classification: Benign for Spinocerebellar Ataxia, Dominant. Last evaluated: 2018-01-12. Review status: criteria provided, single submitter. Criteria: ICSL Variant Classification Criteria 13 December 2019. Collection method: clinical testing. Allele origin: germline.
Comment: This variant was observed in the ICSL laboratory as part of a predisposition screen in an ostensibly healthy population. It had not been previously curated by ICSL or reported in the Human Gene Mutation Database (HGMD: prior to June 1st, 2018), and was therefore a candidate for classification through an automated scoring system. Utilizing variant allele frequency, disease prevalence and penetrance estimates, and inheritance mode, an automated score was calculated to assess if this variant is too frequent to cause the disease. Based on the score and internal cut-off values, a variant classified as benign is not then subjected to further curation. The score for this variant resulted in a classification of benign for this disease.

Breakthrough Genomics
Classification: Benign. Review status: criteria provided, single submitter. Criteria: ACMG Guidelines, 2015. Collection method: not provided. Allele origin: germline. Inheritance: Autosomal dominant inheritance. Affected: yes.

Genetic Services Laboratory, University of Chicago
Classification: Likely benign for AllHighlyPenetrant. Review status: no assertion criteria provided. Collection method: clinical testing. Allele origin: germline. Inheritance: Autosomal dominant inheritance. Not counted in ClinVar's aggregate classification.
Comment: Likely benign based on allele frequency in 1000 Genomes Project or ESP global frequency and its presence in a patient with a rare or unrelated disease phenotype. NOT Sanger confirmed.